The following is an entry in ClinVar:

NM_022124.6(CDH23):c.1465G>A (p.Ala489Thr)

Gene: CDH23 (cadherin related 23; plus strand). Cytogenetic location: 10q22.1.
Variant type: single nucleotide variant.
Coding change: c.1465G>A on transcript NM_022124.6 (MANE Select); coding-DNA position 1465, G replaced by A.
Protein change: p.Ala489Thr; replaces alanine 489 with threonine.
Molecular consequence: missense variant.
Genome position (GRCh38, 1-based): chr10:71,675,127, G>A. VCF-style: chr10-71675127-G-A. GRCh37 (hg19) VCF-style: chr10-73434884-G-A.
Other names: c.1465G>A, p.Ala489Thr (NM_001171930.2, NM_001171931.2); short protein forms A489T.
Identifiers: ClinVar variation 1997366 (VCV001997366.4), dbSNP rs2132664387, ClinGen allele CA377129728.
Genomic context (GRCh38, chr10:71,675,127, plus strand): 5'-TCAGCTGGGCCTGGCAGTAATGACTTCTTGTTCTCGCTGTTGCAGGCAACTGACAATGAT[G>A]CAGGCACCTTTGGGGAAGTCAGCTACTTCTTCAGTGATGACCCTGACAGGTGAGACTCTG-3'
Protein context (NP_071407.4, residues 479-499): VLTVLATDND[Ala489Thr]GTFGEVSYFF

ClinVar aggregate classification (germline): Uncertain significance (1 of 4 stars; one submission).

Allele frequency attached by ClinVar (database versions not stated): gnomAD exomes below 0.00001.
gnomAD v4.1: 1 of 1,613,998 alleles (0.000062%); highest among the groups gnomAD compares: Non-Finnish European, 0.000085%; no homozygotes.

Submission:

Labcorp Genetics (formerly Invitae), Labcorp
Classification: Uncertain significance. Last evaluated: 2022-06-07. Review status: criteria provided, single submitter. Criteria: Invitae Variant Classification Sherloc (09022015). Collection method: clinical testing. Allele origin: germline.
Comment: This sequence change replaces alanine, which is neutral and non-polar, with threonine, which is neutral and polar, at codon 489 of the CDH23 protein (p.Ala489Thr). In summary, the available evidence is currently insufficient to determine the role of this variant in disease. Therefore, it has been classified as a Variant of Uncertain Significance. Algorithms developed to predict the effect of missense changes on protein structure and function are either unavailable or do not agree on the potential impact of this missense change (SIFT: "Tolerated"; PolyPhen-2: "Not Available"; Align-GVGD: "Class C0"). This variant has not been reported in the literature in individuals affected with CDH23-related conditions. This variant is not present in population databases (gnomAD no frequency).